The following is an entry in ClinVar:

NM_006859.4(LIAS):c.595T>C (p.Tyr199His)

Gene: LIAS (lipoic acid synthetase; plus strand). Cytogenetic location: 4p14.
Variant type: single nucleotide variant.
Coding change: c.595T>C on transcript NM_006859.4 (MANE Select); coding-DNA position 595, T replaced by C.
Protein change: p.Tyr199His; replaces tyrosine 199 with histidine.
Molecular consequence: missense variant. On other transcripts: intron variant (1).
Genome position (GRCh38, 1-based): chr4:39,465,329, T>C. VCF-style: chr4-39465329-T-C. GRCh37 (hg19) VCF-style: chr4-39466949-T-C.
Other names: c.595T>C, p.Tyr199His (NM_001278590.2, NM_194451.3); c.299+1724T>C (NM_001363700.2); short protein forms Y199H.
Identifiers: ClinVar variation 959256 (VCV000959256.9), dbSNP rs1744716622, ClinGen allele CA356664785.
Genomic context (GRCh38, chr4:39,465,329, plus strand): 5'-ATTCTTTTGTTTCTAGATATGCCTGATGGGGGAGCTGAACACATTGCAAAGACCGTATCA[T>C]ATTTAAAGGAAAGGTACTTATTTTTGCATTTGTGTAATTTAAGGACCTTTTTGGACCCAT-3'
Protein context (NP_006850.2, residues 189-209): GAEHIAKTVS[Tyr199His]LKERNPKILV

ClinVar aggregate classification (germline): Uncertain significance (1 of 4 stars; one submission).

Conditions:
Lipoic acid synthetase deficiency. Also called: HYPERGLYCINEMIA, LACTIC ACIDOSIS, AND SEIZURES. Identifiers: Orphanet 401859, MedGen C3280887, MONDO:0013762, OMIM 614462.

Submission:

Labcorp Genetics (formerly Invitae), Labcorp
Classification: Uncertain significance for Lipoic acid synthetase deficiency. Last evaluated: 2019-08-03. Review status: criteria provided, single submitter. Criteria: Invitae Variant Classification Sherloc (09022015). Collection method: clinical testing. Allele origin: germline.
Comment: In summary, the available evidence is currently insufficient to determine the role of this variant in disease. Therefore, it has been classified as a Variant of Uncertain Significance. Algorithms developed to predict the effect of missense changes on protein structure and function output the following: SIFT: "Tolerated"; PolyPhen-2: "Benign"; Align-GVGD: "Class C0". The histidine amino acid residue is found in multiple mammalian species, suggesting that this missense change does not adversely affect protein function. These predictions have not been confirmed by published functional studies and their clinical significance is uncertain. This variant has not been reported in the literature in individuals with LIAS-related conditions. This variant is not present in population databases (ExAC no frequency). This sequence change replaces tyrosine with histidine at codon 199 of the LIAS protein (p.Tyr199His). The tyrosine residue is weakly conserved and there is a moderate physicochemical difference between tyrosine and histidine.